The following is an entry in ClinVar:

ClinVar aggregate classification (germline): Likely benign (1 of 4 stars; one submission).

Conditions:
SEMA3D-related disorder. Also called: SEMA3D-related condition.

gnomAD v4.1: 1 of 1,558,436 alleles (0.000064%); highest among the groups gnomAD compares: African/African-American, 0.0014%; no homozygotes.

Submission:

PreventionGenetics, part of Exact Sciences
Classification: Likely benign for SEMA3D-related condition. Last evaluated: 2025-11-06. Review status: criteria provided, single submitter. Criteria: ACMG Guidelines, 2015. Collection method: clinical testing. Allele origin: germline.
Comment: This variant is classified as likely benign based on ACMG/AMP sequence variant interpretation guidelines (Richards et al. 2015 PMID: 25741868, with internal and published modifications).

NM_001384900.1(SEMA3D):c.732T>C (p.Ile244=)

Gene: SEMA3D (semaphorin 3D; minus strand). Cytogenetic location: 7q21.11.
Variant type: single nucleotide variant.
Coding change: c.732T>C on transcript NM_001384900.1 (MANE Select); coding-DNA position 732, T replaced by C.
Protein change: p.Ile244=; no amino-acid change (isoleucine 244 retained).
Molecular consequence: synonymous variant.
Genome position (GRCh38, 1-based): chr7:85,055,846, A>G on the plus strand (T>C on the coding strand, the complement: SEMA3D is on the minus strand). VCF-style: chr7-85055846-A-G. GRCh37 (hg19) VCF-style: chr7-84685162-A-G.
Other names: c.732T>C, p.Ile244= (NM_001384901.1, NM_001384902.1, NM_001384903.1 and 1 more transcripts).
Identifiers: ClinVar variation 4985723 (VCV004985723.1).